The following is an entry in ClinVar:

NM_024570.4(RNASEH2B):c.895A>G (p.Thr299Ala)

Gene: RNASEH2B (ribonuclease H2 subunit B; plus strand). Cytogenetic location: 13q14.3.
Variant type: single nucleotide variant.
Coding change: c.895A>G on transcript NM_024570.4 (MANE Select); coding-DNA position 895, A replaced by G.
Protein change: p.Thr299Ala; replaces threonine 299 with alanine.
Molecular consequence: missense variant. On other transcripts: intron variant (1).
Genome position (GRCh38, 1-based): chr13:50,956,430, A>G. VCF-style: chr13-50956430-A-G. GRCh37 (hg19) VCF-style: chr13-51530566-A-G.
Other names: c.741+6925A>G (NM_001142279.2); short protein forms T299A.
Identifiers: ClinVar variation 705177 (VCV000705177.16), dbSNP rs370507842, ClinGen allele CA6985745.

ClinVar aggregate classification (germline): Benign/Likely benign. Review status: criteria provided, multiple submitters, no conflicts (2 of 4 stars). 4 submissions from 4 submitters: Benign (1); Likely benign (3). Last evaluated 2026-01-28.

Conditions:
RNASEH2B-related disorder. Also called: RNASEH2B-related condition.
Aicardi-Goutieres syndrome 2. Identifiers: Orphanet 51, MedGen C3489724, MONDO:0012429, OMIM 610181.

Allele frequency attached by ClinVar (database versions not stated): gnomAD 0.00001 and 0.00018; TOPMed 0.00004; 1000 Genomes Project 0.00060; 1000 Genomes Project 30x 0.00062; ExAC 0.00108.
gnomAD v4.1: 513 of 1,600,600 alleles (0.032%); highest among the groups gnomAD compares: South Asian, 0.54%; 6 homozygotes.

Submissions (4):

Labcorp Genetics (formerly Invitae), Labcorp
Classification: Likely benign for Aicardi-Goutieres syndrome 2. Last evaluated: 2026-01-28. Review status: criteria provided, single submitter. Criteria: Invitae Variant Classification Sherloc (09022015). Collection method: clinical testing. Allele origin: germline.

Athena Diagnostics
Classification: Benign. Last evaluated: 2025-10-01. Review status: criteria provided, single submitter. Criteria: Athena Diagnostics Criteria. Collection method: clinical testing. Allele origin: unknown.
Comment: The frequency of this variant in the general population is higher than would generally be expected for pathogenic variants in this gene. Computational tools predict this amino acid change may be benign.

PreventionGenetics, part of Exact Sciences
Classification: Likely benign for RNASEH2B-related condition. Last evaluated: 2024-10-17. Review status: criteria provided, single submitter. Criteria: ACMG Guidelines, 2015. Collection method: clinical testing. Allele origin: germline.
Comment: This variant is classified as likely benign based on ACMG/AMP sequence variant interpretation guidelines (Richards et al. 2015 PMID: 25741868, with internal and published modifications).

Illumina Laboratory Services, Illumina
Classification: Likely benign for Aicardi-Goutieres syndrome 2. Last evaluated: 2018-01-12. Review status: criteria provided, single submitter. Criteria: ICSL Variant Classification Criteria 13 December 2019. Collection method: clinical testing. Allele origin: germline.
Comment: This variant was observed in the ICSL laboratory as part of a predisposition screen in an ostensibly healthy population. It had not been previously curated by ICSL or reported in the Human Gene Mutation Database (HGMD: prior to June 1st, 2018), and was therefore a candidate for classification through an automated scoring system. Utilizing variant allele frequency, disease prevalence and penetrance estimates, and inheritance mode, an automated score was calculated to assess if this variant is too frequent to cause the disease. Based on the score and internal cut-off values, a variant classified as likely benign is not then subjected to further curation. The score for this variant resulted in a classification of likely benign for this disease.

Literature cited by the submitters: PubMed 38906889 (cited by Athena Diagnostics).